The following is an entry in ClinVar:

NM_206933.4(USH2A):c.1712A>G (p.Asn571Ser)

Gene: USH2A (usherin; minus strand). Cytogenetic location: 1q41.
Variant type: single nucleotide variant.
Coding change: c.1712A>G on transcript NM_206933.4 (MANE Select); coding-DNA position 1712, A replaced by G.
Protein change: p.Asn571Ser; replaces asparagine 571 with serine.
Molecular consequence: missense variant.
Genome position (GRCh38, 1-based): chr1:216,292,303, T>C on the plus strand (A>G on the coding strand, the complement: USH2A is on the minus strand). VCF-style: chr1-216292303-T-C. GRCh37 (hg19) VCF-style: chr1-216465645-T-C.
Other names: c.1712A>G, p.Asn571Ser (NM_007123.6); short protein forms N571S.
Identifiers: ClinVar variation 1516974 (VCV001516974.4), dbSNP rs372955644, ClinGen allele CA1396417.

ClinVar aggregate classification (germline): Uncertain significance. Review status: criteria provided, multiple submitters, no conflicts (2 of 4 stars). 2 submissions from 2 submitters: Uncertain significance (2). Last evaluated 2022-09-05.

Allele frequency attached by ClinVar (database versions not stated): gnomAD 0.00001; TOPMed 0.00001; ESP Exome Variant Server 0.00008; ExAC 0.00009.
gnomAD v4.1: 56 of 1,613,950 alleles (0.0035%); highest among the groups gnomAD compares: South Asian, 0.041%; 1 homozygote.

Submissions (2):

Blueprint Genetics
Classification: Uncertain significance. Last evaluated: 2022-09-05. Review status: criteria provided, single submitter. Criteria: ACMG Guidelines, 2015. Collection method: clinical testing. Allele origin: germline.

Labcorp Genetics (formerly Invitae), Labcorp
Classification: Uncertain significance. Last evaluated: 2022-03-26. Review status: criteria provided, single submitter. Criteria: Invitae Variant Classification Sherloc (09022015). Collection method: clinical testing. Allele origin: germline.
Comment: This sequence change replaces asparagine, which is neutral and polar, with serine, which is neutral and polar, at codon 571 of the USH2A protein (p.Asn571Ser). This variant is present in population databases (rs372955644, gnomAD 0.06%). This variant has not been reported in the literature in individuals affected with USH2A-related conditions. Algorithms developed to predict the effect of missense changes on protein structure and function output the following: SIFT: "Deleterious"; PolyPhen-2: "Benign"; Align-GVGD: "Class C45". The serine amino acid residue is found in multiple mammalian species, which suggests that this missense change does not adversely affect protein function. Algorithms developed to predict the effect of sequence changes on RNA splicing suggest that this variant may create or strengthen a splice site. In summary, the available evidence is currently insufficient to determine the role of this variant in disease. Therefore, it has been classified as a Variant of Uncertain Significance.